The following is an entry in ClinVar:

ClinVar aggregate classification (germline): Uncertain significance. Review status: criteria provided, multiple submitters, no conflicts (2 of 4 stars). 2 submissions from 2 submitters: Uncertain significance (2). Last evaluated 2024-07-24.

Conditions:
Developmental and epileptic encephalopathy 94 (DEE94). Also called: Epileptic encephalopathy, childhood-onset; CHD2-Related Neurodevelopmental Disorders. Identifiers: Orphanet 1942, Orphanet 2382, MedGen C3809278, MONDO:0014150, OMIM 615369.

gnomAD v4.1: 1 of 1,608,364 alleles (0.000062%); highest among the groups gnomAD compares: Admixed American, 0.0017%; no homozygotes.

Submissions (2):

GeneDx
Classification: Uncertain significance. Last evaluated: 2024-07-24. Review status: criteria provided, single submitter. Criteria: GeneDx Variant Classification Process June 2021. Collection method: clinical testing. Allele origin: germline. Affected: yes.
Comment: Not observed at significant frequency in large population cohorts (gnomAD); In silico analysis indicates that this missense variant does not alter protein structure/function; Has not been previously published as pathogenic or benign to our knowledge

Labcorp Genetics (formerly Invitae), Labcorp
Classification: Uncertain significance for Developmental and epileptic encephalopathy 94. Last evaluated: 2024-02-14. Review status: criteria provided, single submitter. Criteria: Invitae Variant Classification Sherloc (09022015). Collection method: clinical testing. Allele origin: germline.
Comment: This sequence change replaces threonine, which is neutral and polar, with alanine, which is neutral and non-polar, at codon 604 of the CHD2 protein (p.Thr604Ala). The frequency data for this variant in the population databases is considered unreliable, as metrics indicate poor data quality at this position in the gnomAD database. This variant has not been reported in the literature in individuals affected with CHD2-related conditions. An algorithm developed to predict the effect of missense changes on protein structure and function (PolyPhen-2) suggests that this variant is likely to be tolerated. In summary, the available evidence is currently insufficient to determine the role of this variant in disease. Therefore, it has been classified as a Variant of Uncertain Significance.

NM_001271.4(CHD2):c.1810A>G (p.Thr604Ala)

Gene: CHD2 (chromodomain helicase DNA binding protein 2; plus strand). Cytogenetic location: 15q26.1.
Variant type: single nucleotide variant.
Coding change: c.1810A>G on transcript NM_001271.4 (MANE Select); coding-DNA position 1810, A replaced by G.
Protein change: p.Thr604Ala; replaces threonine 604 with alanine.
Molecular consequence: missense variant.
Genome position (GRCh38, 1-based): chr15:92,956,459, A>G. VCF-style: chr15-92956459-A-G. GRCh37 (hg19) VCF-style: chr15-93499689-A-G.
Other names: short protein forms T604A.
Identifiers: ClinVar variation 3600907 (VCV003600907.3).